The following is an entry in ClinVar:

NM_003072.5(SMARCA4):c.2316C>T (p.Asn772=)

Gene: SMARCA4 (SWI/SNF related BAF chromatin remodeling complex subunit ATPase 4; plus strand). Cytogenetic location: 19p13.2.
Variant type: single nucleotide variant.
Coding change: c.2316C>T on transcript NM_003072.5 (MANE Select); coding-DNA position 2316, C replaced by T.
Protein change: p.Asn772=; no amino-acid change (asparagine 772 retained).
Molecular consequence: synonymous variant. On other transcripts: non-coding transcript variant (1).
Genome position (GRCh38, 1-based): chr19:11,012,990, C>T. VCF-style: chr19-11012990-C-T. GRCh37 (hg19) VCF-style: chr19-11123666-C-T.
Other names: c.2316C>T, p.Asn772= (NM_001128844.3, NM_001128845.2, NM_001128846.2 and 5 more transcripts).
Identifiers: ClinVar variation 480638 (VCV000480638.15), dbSNP rs770548403, ClinGen allele CA9204082.
Genomic context (GRCh38, chr19:11,012,990, plus strand): 5'-GCCGCATCTGTCCTTGCAGATCAAAGGTTTGGAGTGGCTGGTGTCCCTGTACAACAACAA[C>T]CTGAACGGCATCCTGGCCGACGAGATGGGCCTGGGGAAGACCATCCAGACCATCGCGCTC-3'
Protein context (NP_003063.2, residues 762-782): LEWLVSLYNN[Asn772=]LNGILADEMG

ClinVar aggregate classification (germline): Benign/Likely benign. Review status: criteria provided, multiple submitters, no conflicts (2 of 4 stars). 4 submissions from 4 submitters: Benign (1); Likely benign (3). Last evaluated 2026-07-13.

Conditions:
Rhabdoid tumor predisposition syndrome 2 (RTPS2). Identifiers: Orphanet 231108, Orphanet 69077, MedGen C2750074, MONDO:0013224, OMIM 613325.
Hereditary cancer-predisposing syndrome. Also called: Tumor predisposition; Neoplastic Syndromes, Hereditary; Hereditary Cancer Syndrome; Hereditary neoplastic syndrome. Identifiers: Orphanet 140162, MedGen C0027672, MeSH D009386, MONDO:0015356.

Allele frequency attached by ClinVar (database versions not stated): gnomAD exomes below 0.00001; ExAC 0.00001.
gnomAD v4.1: 2 of 1,614,134 alleles (0.00012%); highest among the groups gnomAD compares: South Asian, 0.0011%; no homozygotes.

Submissions (4):

Myriad Genetics, Inc.
Classification: Benign for Rhabdoid tumor predisposition syndrome 2. Last evaluated: 2026-07-13. Review status: criteria provided, single submitter. Criteria: Myriad Autosomal Dominant, Autosomal Recessive and X-Linked Classification Criteria (2023). Collection method: clinical testing. Allele origin: unknown.
Comment: This variant is considered benign. This variant is a silent/synonymous amino acid change and it is not expected to impact splicing.

Labcorp Genetics (formerly Invitae), Labcorp
Classification: Likely benign for Rhabdoid tumor predisposition syndrome 2. Last evaluated: 2020-03-03. Review status: criteria provided, single submitter. Criteria: Invitae Variant Classification Sherloc (09022015). Collection method: clinical testing. Allele origin: germline.

GeneDx
Classification: Likely benign. Last evaluated: 2017-08-17. Review status: criteria provided, single submitter. Criteria: GeneDx Variant Classification (06012015). Collection method: clinical testing. Allele origin: germline. Affected: yes.
Comment: This variant is considered likely benign or benign based on one or more of the following criteria: it is a conservative change, it occurs at a poorly conserved position in the protein, it is predicted to be benign by multiple in silico algorithms, and/or has population frequency not consistent with disease.

Ambry Genetics
Classification: Likely benign for Hereditary cancer-predisposing syndrome. Last evaluated: 2017-04-07. Review status: criteria provided, single submitter. Criteria: Ambry Variant Classification Scheme 2023. Collection method: clinical testing. Allele origin: germline.